The following is an entry in ClinVar:

ClinVar aggregate classification (germline): Conflicting classifications of pathogenicity. Review status: criteria provided, conflicting classifications (1 of 4 stars). 2 submissions from 2 submitters: Uncertain significance (1); Likely benign (1). Last evaluated 2023-12-01.

Allele frequency attached by ClinVar (database versions not stated): gnomAD 0.00032; TOPMed 0.00036; ESP Exome Variant Server 0.00054; ExAC 0.00059.
gnomAD v4.1: 955 of 1,612,524 alleles (0.059%); highest among the groups gnomAD compares: Middle Eastern, 0.16%; no homozygotes.

Submissions (2):

CeGaT Center for Human Genetics Tuebingen
Classification: Likely benign. Last evaluated: 2023-12-01. Review status: criteria provided, single submitter. Criteria: CeGaT Center For Human Genetics Tuebingen Variant Classification Criteria Version 2. Collection method: clinical testing. Allele origin: germline. Affected: yes. Observed: 1 variant allele.
Comment: CARD6: BP4

Ambry Genetics
Classification: Uncertain significance. Last evaluated: 2021-07-16. Review status: criteria provided, single submitter. Criteria: Ambry Variant Classification Scheme 2023. Collection method: clinical testing. Allele origin: germline.

NM_032587.4(CARD6):c.328G>A (p.Ala110Thr)

Gene: CARD6 (caspase recruitment domain family member 6; plus strand). Cytogenetic location: 5p13.1.
Variant type: single nucleotide variant.
Coding change: c.328G>A on transcript NM_032587.4 (MANE Select); coding-DNA position 328, G replaced by A.
Protein change: p.Ala110Thr; replaces alanine 110 with threonine.
Molecular consequence: missense variant.
Genome position (GRCh38, 1-based): chr5:40,843,196, G>A. VCF-style: chr5-40843196-G-A. GRCh37 (hg19) VCF-style: chr5-40843298-G-A.
Other names: c.328G>A (NM_032587.3); short protein forms A110T.
Identifiers: ClinVar variation 3025131 (VCV003025131.23), dbSNP rs145551245, ClinGen allele CA3248963.